The following is an entry in ClinVar:

NM_012330.4(KAT6B):c.1543TCT[1] (p.Ser516del)

Gene: KAT6B (lysine acetyltransferase 6B; plus strand). Cytogenetic location: 10q22.2.
Variant type: Microsatellite.
Coding change: c.1543TCT[1] on transcript NM_012330.4 (MANE Select); one copy of the 3-base unit TCT starting at c.1543; the reference has two copies in a row; one copy, 3 bases deleted; also written c.1546_1548del.
Protein change: p.Ser516del; deletes serine 516.
Molecular consequence: inframe deletion. On other transcripts: intron variant (13).
Genome position (GRCh38, 1-based): chr10:74,975,883-74,975,885, TCT deleted; deleting any 3 consecutive bases within chr10:74,975,878-74,975,885 gives the same sequence; the position shown is the placement nearest the transcript's 3' end. VCF-style (leftmost placement, unchanged base first): chr10-74975877-ACTT-A. GRCh37 (hg19) VCF-style: chr10-76735635-ACTT-A.
Other names: c.1543TCT[1], p.Ser516del (NM_001370136.1, NM_001370137.1); c.1117+429_1117+431del (NM_001370139.1, NM_001370140.1, NM_001370141.1 and 3 more transcripts); c.1444+102_1444+104del (NM_001370138.1, NM_001256468.2); c.846+6108_846+6110del (NM_001370133.1); c.193-3341_193-3339del (NM_001370134.1); c.929-1433_929-1431del (NM_001370143.1, NM_001370144.1); c.193-13136_193-13134del (NM_001370135.1); c.1546_1548del (NM_012330.4); short protein forms S516del.
Identifiers: ClinVar variation 1965826 (VCV001965826.6), dbSNP rs752989133, ClinGen allele CA5564429.

ClinVar aggregate classification (germline): Uncertain significance. Review status: criteria provided, multiple submitters, no conflicts (2 of 4 stars). 2 submissions from 2 submitters: Uncertain significance (2). Last evaluated 2025-06-12.

Conditions:
Genitopatellar syndrome (GTPTS). Also called: ABSENT PATELLAE, SCROTAL HYPOPLASIA, RENAL ANOMALIES, FACIAL DYSMORPHISM, AND MENTAL RETARDATION; Genitopatellar syndrome (GPS). Identifiers: Orphanet 85201, MedGen C1853566, MONDO:0011640, OMIM 606170.
Blepharophimosis - intellectual disability syndrome, SBBYS type (SBBYSS). Also called: Ohdo syndrome, SBBYS variant; SBBYSS syndrome; Say-Barber-Biesecker-Young-Simpson syndrome; Say-Barber-Biesecker-Young-Simpson variant of Ohdo Syndrome; Say-Barber-Biesecker Variant of Ohdo Syndrome; Say-Barber-Biesecker variant of Ohdo syndrome (SBBYSS). Identifiers: Orphanet 3047, MedGen C1863557, MONDO:0011365, OMIM 603736.

Submissions (2):

Labcorp Genetics (formerly Invitae), Labcorp
Classification: Uncertain significance for Genitopatellar syndrome. Last evaluated: 2025-06-12. Review status: criteria provided, single submitter. Criteria: Invitae Variant Classification Sherloc (09022015). Collection method: clinical testing. Allele origin: germline.
Comment: This variant, c.1546_1548del, results in the deletion of 1 amino acid(s) of the KAT6B protein (p.Ser516del), but otherwise preserves the integrity of the reading frame. The frequency data for this variant in the population databases is considered unreliable, as metrics indicate poor data quality at this position in the gnomAD database. This variant has not been reported in the literature in individuals affected with KAT6B-related conditions. Experimental studies and prediction algorithms are not available or were not evaluated, and the functional significance of this variant is currently unknown. In summary, the available evidence is currently insufficient to determine the role of this variant in disease. Therefore, it has been classified as a Variant of Uncertain Significance.

Fulgent Genetics
Classification: Uncertain significance for Blepharophimosis - intellectual disability syndrome, SBBYS type; Genitopatellar syndrome. Last evaluated: 2024-02-13. Review status: criteria provided, single submitter. Criteria: ACMG Guidelines, 2015. Collection method: clinical testing. Allele origin: germline.